The following is an entry in ClinVar:

ClinVar aggregate classification (germline): Likely benign. Review status: criteria provided, multiple submitters, no conflicts (2 of 4 stars). 2 submissions from 2 submitters: Likely benign (2). Last evaluated 2025-11-11.

Conditions:
LOXL3-related disorder. Also called: LOXL3-related condition.

Allele frequency attached by ClinVar (database versions not stated): ExAC 0.00003; gnomAD 0.00003 and 0.00005; TOPMed 0.00003; gnomAD exomes 0.00004; 1000 Genomes Project 30x 0.00016; 1000 Genomes Project 0.00020.
gnomAD v4.1: 54 of 1,614,170 alleles (0.0033%); highest among the groups gnomAD compares: South Asian, 0.012%; 1 homozygote.

Submissions (2):

PreventionGenetics, part of Exact Sciences
Classification: Likely benign for LOXL3-related condition. Last evaluated: 2025-11-11. Review status: criteria provided, single submitter. Criteria: ACMG Guidelines, 2015. Collection method: clinical testing. Allele origin: germline.
Comment: This variant is classified as likely benign based on ACMG/AMP sequence variant interpretation guidelines (Richards et al. 2015 PMID: 25741868, with internal and published modifications).

Labcorp Genetics (formerly Invitae), Labcorp
Classification: Likely benign. Last evaluated: 2025-08-06. Review status: criteria provided, single submitter. Criteria: Invitae Variant Classification Sherloc (09022015). Collection method: clinical testing. Allele origin: germline.

NM_032603.5(LOXL3):c.1668G>A (p.Ala556=)

Gene: LOXL3 (lysyl oxidase like 3; minus strand). Cytogenetic location: 2p13.1.
Variant type: single nucleotide variant.
Coding change: c.1668G>A on transcript NM_032603.5 (MANE Select); coding-DNA position 1668, G replaced by A.
Protein change: p.Ala556=; no amino-acid change (alanine 556 retained).
Molecular consequence: synonymous variant.
Genome position (GRCh38, 1-based): chr2:74,534,686, C>T on the plus strand (G>A on the coding strand, the complement: LOXL3 is on the minus strand). VCF-style: chr2-74534686-C-T. GRCh37 (hg19) VCF-style: chr2-74761813-C-T.
Other names: c.1668G>A (NM_032603.4); c.1233G>A, p.Ala411= (NM_001289164.3); c.585G>A, p.Ala195= (NM_001289165.2).
Identifiers: ClinVar variation 1400588 (VCV001400588.10), dbSNP rs565514123, ClinGen allele CA1728821.